The following is an entry in ClinVar:

NM_000518.5(HBB):c.315+183_315+187del

Genes: HBB (hemoglobin subunit beta; minus strand), LOC107133510 (origin of replication at HBB; plus strand), LOC110006319 (beta-globin gene 3' regulatory region; plus strand). Cytogenetic location: 11p15.4.
Variant type: Deletion.
Coding change: c.315+183_315+187del on transcript NM_000518.5 (MANE Select); bases 183 to 187 of the intron after coding-DNA position 315, 5 bases deleted (CTTTT; older notation c.315+183_315+187delCTTTT).
Molecular consequence: intron variant.
Genome position (GRCh38, 1-based): chr11:5,226,390-5,226,394, AAAAG deleted on the plus strand (CTTTT on the coding strand, the reverse complement: HBB is on the minus strand); deleting any 5 consecutive bases within chr11:5,226,390-5,226,398 gives the same sequence; the c. name uses the placement nearest the transcript's 3' end. VCF-style (leftmost placement, unchanged base first): chr11-5226389-CAAAAG-C. GRCh37 (hg19) VCF-style: chr11-5247619-CAAAAG-C.
Other names: c.315+179_315+183del (NM_000518.5).
Identifiers: ClinVar variation 1119125 (VCV001119125.10), dbSNP rs1200964989, ClinGen allele CA677553011.

ClinVar aggregate classification (germline): Likely benign. Review status: criteria provided, single submitter (1 of 4 stars). 2 submissions from 2 submitters: Likely benign (1). 1 of the submissions does not count toward it. Last evaluated 2023-05-16.

Conditions:
Beta-thalassemia HBB/LCRB. Identifiers: MedGen CN322236, MONDO:0013517, OMIM 613985.

Submissions (2):

Labcorp Genetics (formerly Invitae), Labcorp
Classification: Likely benign. Last evaluated: 2023-05-16. Review status: criteria provided, single submitter. Criteria: Invitae Variant Classification Sherloc (09022015). Collection method: clinical testing. Allele origin: germline.

Precision Medicine Lab Center, Yangjiang People's Hospital
Classification: Likely benign for Beta-thalassemia HBB/LCRB. Last evaluated: 2023-11-23. Review status: no assertion criteria provided. Collection method: clinical testing. Allele origin: germline. Affected: yes. Observed: 1 variant allele. Not counted in ClinVar's aggregate classification.
Comment: HBB:c.315+179_315+183del is the second intron of the β gene, and the TTTTC at bases 179 to 183 is missing. This site was not found in the database.